The following is an entry in ClinVar:

NM_054027.6(ANKH):c.1012-3C>T

Gene: ANKH (ANKH inorganic pyrophosphate transport regulator; minus strand). Cytogenetic location: 5p15.2.
Variant type: single nucleotide variant.
Coding change: c.1012-3C>T on transcript NM_054027.6 (MANE Select); 3 bases into the intron before coding-DNA position 1012, C replaced by T.
Molecular consequence: intron variant.
Genome position (GRCh38, 1-based): chr5:14,716,838, G>A on the plus strand (C>T on the coding strand, the complement: ANKH is on the minus strand). VCF-style: chr5-14716838-G-A. GRCh37 (hg19) VCF-style: chr5-14716947-G-A.
Identifiers: ClinVar variation 1524736 (VCV001524736.6), dbSNP rs1410548151, ClinGen allele CA557887500.

ClinVar aggregate classification (germline): Uncertain significance (1 of 4 stars; one submission).

Allele frequency attached by ClinVar (database versions not stated): gnomAD exomes below 0.00001 and 0.00001; TOPMed below 0.00001; gnomAD 0.00001.
gnomAD v4.1: 6 of 1,613,666 alleles (0.00037%); highest among the groups gnomAD compares: African/African-American, 0.0013%; no homozygotes.

Submission:

Labcorp Genetics (formerly Invitae), Labcorp
Classification: Uncertain significance. Last evaluated: 2022-07-19. Review status: criteria provided, single submitter. Criteria: Invitae Variant Classification Sherloc (09022015). Collection method: clinical testing. Allele origin: germline.
Comment: This variant has not been reported in the literature in individuals affected with ANKH-related conditions. This variant is present in population databases (no rsID available, gnomAD 0.002%). This sequence change falls in intron 8 of the ANKH gene. It does not directly change the encoded amino acid sequence of the ANKH protein. It affects a nucleotide within the consensus splice site. ClinVar contains an entry for this variant (Variation ID: 1524736). In summary, the available evidence is currently insufficient to determine the role of this variant in disease. Therefore, it has been classified as a Variant of Uncertain Significance. Variants that disrupt the consensus splice site are a relatively common cause of aberrant splicing (PMID: 17576681, 9536098). Algorithms developed to predict the effect of sequence changes on RNA splicing suggest that this variant is not likely to affect RNA splicing.

Literature cited by the submitters: PubMed 17576681; PubMed 9536098.